The following is an entry in ClinVar:

NM_001365951.3(KIF1B):c.4516G>C (p.Glu1506Gln)

Gene: KIF1B (kinesin family member 1B; plus strand). Cytogenetic location: 1p36.22.
Variant type: single nucleotide variant.
Coding change: c.4516G>C on transcript NM_001365951.3 (MANE Select); coding-DNA position 4516, G replaced by C.
Protein change: p.Glu1506Gln; replaces glutamic acid 1506 with glutamine.
Molecular consequence: missense variant.
Genome position (GRCh38, 1-based): chr1:10,365,412, G>C. VCF-style: chr1-10365412-G-C. GRCh37 (hg19) VCF-style: chr1-10425470-G-C.
Other names: c.4516G>C, p.Glu1506Gln (NM_001365952.1); c.4378G>C, p.Glu1460Gln (NM_015074.3); short protein forms E1460Q, E1506Q.
Identifiers: ClinVar variation 1740127 (VCV001740127.3), dbSNP rs754226097, ClinGen allele CA338321434.

ClinVar aggregate classification (germline): Uncertain significance (1 of 4 stars; one submission).

Submission:

Ambry Genetics
Classification: Uncertain significance. Last evaluated: 2023-08-30. Review status: criteria provided, single submitter. Criteria: Ambry Variant Classification Scheme 2023. Collection method: clinical testing. Allele origin: germline.
Comment: The p.E1460Q variant (also known as c.4378G>C), located in coding exon 40 of the KIF1B gene, results from a G to C substitution at nucleotide position 4378. The glutamic acid at codon 1460 is replaced by glutamine, an amino acid with highly similar properties. This amino acid position is highly conserved in available vertebrate species. In addition, the in silico prediction for this alteration is inconclusive. Since supporting evidence is limited at this time, the clinical significance of this alteration remains unclear.